The following is an entry in ClinVar:

NM_015178.3(RHOBTB2):c.2145CTC[2] (p.Ser719del)

Gene: RHOBTB2 (Rho related BTB domain containing 2; plus strand). Cytogenetic location: 8p21.3.
Variant type: Microsatellite.
Coding change: c.2145CTC[2] on transcript NM_015178.3 (MANE Select); two copies in a row of the 3-base unit CTC starting at c.2145; the reference has three copies in a row; one copy, 3 bases deleted.
Protein change: p.Ser719del; deletes serine 719.
Molecular consequence: inframe deletion.
Genome position (GRCh38, 1-based): chr8:23,017,436-23,017,438, CTC deleted; deleting any 3 consecutive bases within chr8:23,017,429-23,017,438 gives the same sequence; the position shown is the placement nearest the transcript's 3' end. VCF-style (leftmost placement, unchanged base first): chr8-23017428-GCCT-G. GRCh37 (hg19) VCF-style: chr8-22874941-GCCT-G.
Other names: c.2211CTC[2], p.Ser741del (NM_001160036.2); c.2166CTC[2], p.Ser726del (NM_001160037.2); c.2145CTC[2], p.Ser719del (NM_001374791.1); short protein forms S726del, S741del, S719del.
Identifiers: ClinVar variation 2994939 (VCV002994939.3), dbSNP rs771854115, ClinGen allele CA4672875.

ClinVar aggregate classification (germline): Uncertain significance (1 of 4 stars; one submission).

Submission:

Labcorp Genetics (formerly Invitae), Labcorp
Classification: Uncertain significance. Last evaluated: 2025-09-27. Review status: criteria provided, single submitter. Criteria: Invitae Variant Classification Sherloc (09022015). Collection method: clinical testing. Allele origin: germline.
Comment: This variant, c.2217_2219del, results in the deletion of 1 amino acid(s) of the RHOBTB2 protein (p.Ser741del), but otherwise preserves the integrity of the reading frame. This variant is present in population databases (rs771854115, gnomAD 0.002%). This variant has not been reported in the literature in individuals affected with RHOBTB2-related conditions. Experimental studies and prediction algorithms are not available or were not evaluated, and the functional significance of this variant is currently unknown. In summary, the available evidence is currently insufficient to determine the role of this variant in disease. Therefore, it has been classified as a Variant of Uncertain Significance.